The following is an entry in ClinVar:

NM_013275.6(ANKRD11):c.6465del (p.Val2156fs)

Gene: ANKRD11 (ankyrin repeat domain 11; minus strand). Cytogenetic location: 16q24.3.
Variant type: Deletion.
Coding change: c.6465del on transcript NM_013275.6 (MANE Select); coding-DNA position 6465, one base deleted (C; older notation c.6465delC).
Protein change: p.Val2156fs; shifts the reading frame from valine 2156.
Molecular consequence: frameshift variant.
Genome position (GRCh38, 1-based): chr16:89,280,077, G deleted on the plus strand (C on the coding strand, the reverse complement: ANKRD11 is on the minus strand); the first of 3 consecutive G bases (chr16:89,280,077-89,280,079); deleting any one gives the same sequence. VCF-style (leftmost placement, unchanged base first): chr16-89280076-CG-C. GRCh37 (hg19) VCF-style: chr16-89346484-CG-C.
Other names: c.6465del, p.Val2156fs (NM_001256182.2, NM_001256183.2); short protein forms V2156fs.
Identifiers: ClinVar variation 1799564 (VCV001799564.1), dbSNP rs2544222174, ClinGen allele CA2580092390.

ClinVar aggregate classification (germline): Pathogenic (1 of 4 stars; one submission).

Conditions:
KBG syndrome (KBGS). Also called: ANKRD11-Related KBG Syndrome. Identifiers: Orphanet 2332, MedGen C0220687, MONDO:0007846, OMIM 148050.

Submission:

Variantyx, Inc.
Classification: Pathogenic for KBG syndrome. Last evaluated: 2022-11-07. Review status: criteria provided, single submitter. Criteria: Variantyx Assertion Criteria 2022. Collection method: clinical testing. Allele origin: de novo. Inheritance: Autosomal dominant inheritance. Affected: yes.
Comment: This is a frameshift variant in the ANKRD11 gene (OMIM 611192). Heterozygous pathogenic variants in this gene have been associated with autosomal dominant KBG syndrome (KBGS). This variant introduces a premature termination codon in exon 9 out of 13. It is expected to result in loss of function, which is a known disease mechanism for ANKRD11 in this disorder (PMID: 35330407, 29565525) (PVS1). This variant is absent from control populations (PM2_Supporting). Based on the current evidence, this variant is classified as pathogenic for autosomal dominant KBGS.

Literature cited by the submitters: PubMed 35330407; PubMed 29565525.